The following is an entry in ClinVar:

ClinVar aggregate classification (germline): Uncertain significance (1 of 4 stars; one submission).

Submission:

Laboratory for Molecular Medicine, Mass General Brigham Personalized Medicine
Classification: Uncertain significance. Last evaluated: 2018-04-13. Review status: criteria provided, single submitter. Criteria: ACMG Guidelines, 2015. Collection method: clinical testing. Allele origin: germline.
Comment: The c.1131-1G>A variant in TGFBR1 has not been previously reported in individuals with clinical features of Loeys-Dietz syndrome or in large population studies. This variant occurs in the invariant region (+/- 1,2) of the splice consensus sequence and is predicted to cause altered splicing leading to an abnormal or absent protein. Loss of function of TGFBR1 is not an established mechanism for Loeys-Dietz syndrome or familial TADD, but may be associated with multiple self-healing squamous epithelioma (Goudie 2011). In summary, the clinical significance of the c.1131-1G>A variant in Loeys-Dietz syndrome is uncertain. ACMG/AMP Criteria applied (Richards 2015): PM2.

NM_004612.4(TGFBR1):c.1131-1G>A

Gene: TGFBR1 (transforming growth factor beta receptor 1; plus strand). Cytogenetic location: 9q22.33.
Variant type: single nucleotide variant.
Coding change: c.1131-1G>A on transcript NM_004612.4 (MANE Select); the canonical splice acceptor site of the intron before coding-DNA position 1131, G replaced by A.
Molecular consequence: splice acceptor variant.
Genome position (GRCh38, 1-based): chr9:99,146,484, G>A. VCF-style: chr9-99146484-G-A. GRCh37 (hg19) VCF-style: chr9-101908766-G-A.
Other names: c.936-1G>A (NM_001407418.1, NM_001407419.1, NM_001407422.1 and 1 more transcripts); c.924-1G>A (NM_001407423.1, NM_001407424.1, NM_001407425.1 and 8 more transcripts); c.1143-1G>A (NM_001306210.2); c.975-1G>A (NM_001407416.1); c.963-1G>A (NM_001407417.1); c.900-1G>A (NM_001407435.1, NM_001130916.3); c.885-1G>A (NM_001407436.1); c.654-1G>A (NM_001407438.1); and 1 more.
Identifiers: ClinVar variation 3076060 (VCV003076060.1), dbSNP rs2118826446, ClinGen allele CA374232542.